The following is an entry in ClinVar:

NM_000535.7(PMS2):c.1938G>T (p.Arg646Ser)

Gene: PMS2 (PMS1 homolog 2, mismatch repair system component; minus strand). Cytogenetic location: 7p22.1.
Variant type: single nucleotide variant.
Coding change: c.1938G>T on transcript NM_000535.7 (MANE Select); coding-DNA position 1938, G replaced by T.
Protein change: p.Arg646Ser; replaces arginine 646 with serine.
Molecular consequence: missense variant. On other transcripts: non-coding transcript variant (1), intron variant (1).
Genome position (GRCh38, 1-based): chr7:5,986,827, C>A on the plus strand (G>T on the coding strand, the complement: PMS2 is on the minus strand). VCF-style: chr7-5986827-C-A. GRCh37 (hg19) VCF-style: chr7-6026458-C-A.
Other names: c.1533G>T, p.Arg511Ser (NM_001406890.1, NM_001406891.1, NM_001406892.1 and 16 more transcripts); c.1782G>T, p.Arg594Ser (NM_001406870.1, NM_001322006.2); c.1938G>T, p.Arg646Ser (NM_001406871.1, NM_001406872.1, NM_001322014.2); c.1740G>T, p.Arg580Ser (NM_001406873.1); c.1770G>T, p.Arg590Ser (NM_001406874.1); c.1629G>T, p.Arg543Ser (NM_001406875.1, NM_001406877.1, NM_001406878.1 and 5 more transcripts); c.1620G>T, p.Arg540Ser (NM_001406876.1, NM_001406883.1, NM_001406903.1 and 2 more transcripts); c.1830G>T, p.Arg610Ser (NM_001406869.1); and 13 more; short protein forms R389S, R455S, R475S, R491S, R540S, R524S, R580S, R646S.
Identifiers: ClinVar variation 3935154 (VCV003935154.1).

ClinVar aggregate classification (germline): Uncertain significance (1 of 4 stars; one submission).

Conditions:
Hereditary cancer-predisposing syndrome. Also called: Tumor predisposition; Hereditary neoplastic syndrome; Hereditary Cancer Syndrome; Neoplastic Syndromes, Hereditary. Identifiers: Orphanet 140162, MedGen C0027672, MeSH D009386, MONDO:0015356.

Submission:

Ambry Genetics
Classification: Uncertain significance for Hereditary cancer-predisposing syndrome. Last evaluated: 2025-05-31. Review status: criteria provided, single submitter. Criteria: Ambry Variant Classification Scheme 2023. Collection method: clinical testing. Allele origin: germline.
Comment: The p.R646S variant (also known as c.1938G>T), located in coding exon 11 of the PMS2 gene, results from a G to T substitution at nucleotide position 1938. The arginine at codon 646 is replaced by serine, an amino acid with dissimilar properties. This amino acid position is conserved. In addition, the in silico prediction for this alteration is inconclusive. Based on the available evidence, the clinical significance of this variant remains unclear.